The following is an entry in ClinVar:

NM_001453.3(FOXC1):c.604C>T (p.Pro202Ser)

Gene: FOXC1 (forkhead box C1; plus strand). Cytogenetic location: 6p25.3.
Variant type: single nucleotide variant.
Coding change: c.604C>T on transcript NM_001453.3 (MANE Select); coding-DNA position 604, C replaced by T.
Protein change: p.Pro202Ser; replaces proline 202 with serine.
Molecular consequence: missense variant.
Genome position (GRCh38, 1-based): chr6:1,611,049, C>T. VCF-style: chr6-1611049-C-T. GRCh37 (hg19) VCF-style: chr6-1611284-C-T.
Other names: short protein forms P202S.
Identifiers: ClinVar variation 4754429 (VCV004754429.1).

ClinVar aggregate classification (germline): Uncertain significance (1 of 4 stars; one submission).

Conditions:
Axenfeld-Rieger syndrome type 3 (RIEG3). Also called: AXENFELD-RIEGER ANOMALY WITH CARDIAC DEFECTS AND/OR SENSORINEURAL HEARING LOSS. Identifiers: Orphanet 782, MedGen C2678503, MONDO:0011233, OMIM 602482.

Submission:

Labcorp Genetics (formerly Invitae), Labcorp
Classification: Uncertain significance for Axenfeld-Rieger syndrome type 3. Last evaluated: 2026-01-04. Review status: criteria provided, single submitter. Criteria: Invitae Variant Classification Sherloc (09022015). Collection method: clinical testing. Allele origin: germline.
Comment: This sequence change replaces proline, which is neutral and non-polar, with serine, which is neutral and polar, at codon 202 of the FOXC1 protein (p.Pro202Ser). This variant is not present in population databases (gnomAD no frequency). This variant has not been reported in the literature in individuals affected with FOXC1-related conditions. An algorithm developed to predict the effect of missense changes on protein structure and function (PolyPhen-2) suggests that this variant is likely to be tolerated. In summary, the available evidence is currently insufficient to determine the role of this variant in disease. Therefore, it has been classified as a Variant of Uncertain Significance.